The following is an entry in ClinVar:

NM_000093.5(COL5A1):c.4113C>T (p.Pro1371=)

Gene: COL5A1 (collagen type V alpha 1 chain; plus strand). Cytogenetic location: 9q34.3.
Variant type: single nucleotide variant.
Coding change: c.4113C>T on transcript NM_000093.5 (MANE Select); coding-DNA position 4113, C replaced by T.
Protein change: p.Pro1371=; no amino-acid change (proline 1371 retained).
Molecular consequence: synonymous variant.
Genome position (GRCh38, 1-based): chr9:134,815,979, C>T. VCF-style: chr9-134815979-C-T. GRCh37 (hg19) VCF-style: chr9-137707825-C-T.
Other names: c.4113C>T, p.Pro1371= (NM_001278074.1).
Identifiers: ClinVar variation 519627 (VCV000519627.17), dbSNP rs143794669, ClinGen allele CA5320138.

ClinVar aggregate classification (germline): Likely benign. Review status: criteria provided, multiple submitters, no conflicts (2 of 4 stars). 5 submissions from 5 submitters: Likely benign (4). 1 of the submissions does not count toward it. Last evaluated 2026-09-01.

Conditions:
Ehlers-Danlos syndrome, classic type, 1 (EDSCL1). Also called: EHLERS-DANLOS SYNDROME, GRAVIS TYPE; EHLERS-DANLOS SYNDROME, SEVERE CLASSIC TYPE; Ehlers-Danlos syndrome, type 1; Ehlers-Danlos Syndrome, Classic Type, COL5A1-Related; EDS I. Identifiers: MedGen C0268335, MONDO:0019567, OMIM 130000.
COL5A1-related disorder. Also called: COL5A1-related condition.
Familial thoracic aortic aneurysm and aortic dissection (TAAD). Also called: Thoracic aortic aneurysms and dissections. Identifiers: Orphanet 91387, MedGen C4707243, MONDO:0019625.

Allele frequency attached by ClinVar (database versions not stated): ExAC 0.00004; gnomAD exomes 0.00004; gnomAD 0.00010 and 0.00011; TOPMed 0.00010; ESP Exome Variant Server 0.00023.
gnomAD v4.1: 52 of 1,613,920 alleles (0.0032%); highest among the groups gnomAD compares: African/African-American, 0.039%; no homozygotes.

Submissions (5):

CeGaT Center for Human Genetics Tuebingen
Classification: Likely benign. Last evaluated: 2026-09-01. Review status: criteria provided, single submitter. Criteria: CeGaT Center For Human Genetics Tuebingen Variant Classification Criteria Version 2. Collection method: clinical testing. Allele origin: germline. Affected: yes. Observed: 1 variant allele.
Comment: COL5A1: BP4, BP7

Labcorp Genetics (formerly Invitae), Labcorp
Classification: Likely benign for Ehlers-Danlos syndrome, classic type, 1. Last evaluated: 2025-11-17. Review status: criteria provided, single submitter. Criteria: Invitae Variant Classification Sherloc (09022015). Collection method: clinical testing. Allele origin: germline.

Women's Health and Genetics/Laboratory Corporation of America, LabCorp
Classification: Likely benign. Last evaluated: 2023-08-10. Review status: criteria provided, single submitter. Criteria: LabCorp Variant Classification Summary - May 2015. Collection method: clinical testing. Allele origin: germline.

Ambry Genetics
Classification: Likely benign for Familial thoracic aortic aneurysm and aortic dissection. Last evaluated: 2016-05-12. Review status: criteria provided, single submitter. Criteria: Ambry Variant Classification Scheme 2023. Collection method: clinical testing. Allele origin: germline.

PreventionGenetics, part of Exact Sciences
Classification: Likely benign for COL5A1-related condition. Last evaluated: 2019-08-20. Review status: no assertion criteria provided. Collection method: clinical testing. Allele origin: germline. Not counted in ClinVar's aggregate classification.
Comment: This variant is classified as likely benign based on ACMG/AMP sequence variant interpretation guidelines (Richards et al. 2015 PMID: 25741868, with internal and published modifications).